The following is an entry in ClinVar:

ClinVar aggregate classification (germline): Uncertain significance (1 of 4 stars; one submission).

Allele frequency attached by ClinVar (database versions not stated): gnomAD 0.00001.
gnomAD v4.1: 13 of 1,608,936 alleles (0.00081%); highest among the groups gnomAD compares: Non-Finnish European, 0.001%; no homozygotes.

Submissions (2):

Labcorp Genetics (formerly Invitae), Labcorp
Classification: Uncertain significance. Last evaluated: 2022-05-03. Review status: criteria provided, single submitter. Criteria: Invitae Variant Classification Sherloc (09022015). Collection method: clinical testing. Allele origin: germline.
Comment: In summary, the available evidence is currently insufficient to determine the role of this variant in disease. Therefore, it has been classified as a Variant of Uncertain Significance. Algorithms developed to predict the effect of sequence changes on RNA splicing suggest that this variant may disrupt the consensus splice site. Algorithms developed to predict the effect of missense changes on protein structure and function are either unavailable or do not agree on the potential impact of this missense change (SIFT: "Deleterious"; PolyPhen-2: "Possibly Damaging"; Align-GVGD: "Class C0"). This variant has not been reported in the literature in individuals affected with IL6R-related conditions. This variant is present in population databases (rs774739787, gnomAD 0.003%). This sequence change replaces aspartic acid, which is acidic and polar, with tyrosine, which is neutral and polar, at codon 358 of the IL6R protein (p.Asp358Tyr).

Dr. Peter K. Rogan Lab, Western University
No classification provided (evidence only). Condition: Uterine corpus endometrial carcinoma. Review status: no classification provided. Collection method: in vitro. Allele origin: not applicable. Functional consequence: skipped exon. Not counted in ClinVar's aggregate classification.

NM_000565.4(IL6R):c.1072G>T (p.Asp358Tyr)

Gene: IL6R (interleukin 6 receptor; plus strand). Cytogenetic location: 1q21.3.
Variant type: single nucleotide variant.
Coding change: c.1072G>T on transcript NM_000565.4 (MANE Select); coding-DNA position 1072, G replaced by T.
Protein change: p.Asp358Tyr; replaces aspartic acid 358 with tyrosine.
Molecular consequence: missense variant. On other transcripts: intron variant (2).
Genome position (GRCh38, 1-based): chr1:154,454,493, G>T. VCF-style: chr1-154454493-G-T. GRCh37 (hg19) VCF-style: chr1-154426969-G-T.
Other names: c.1171G>T, p.Asp391Tyr (NM_001382769.1); c.1165G>T, p.Asp389Tyr (NM_001382770.1); c.1120G>T, p.Asp374Tyr (NM_001382771.1); c.1066G>T, p.Asp356Tyr (NM_001382772.1); c.712G>T, p.Asp238Tyr (NM_001382774.1); c.1114+4513G>T (NM_001382773.1); c.1066+4513G>T (NM_181359.3); short protein forms D358Y, D389Y, D391Y, D238Y, D356Y, D374Y.
Identifiers: ClinVar variation 1362683 (VCV001362683.9), dbSNP rs774739787, ClinGen allele CA1129268.